The following is an entry in ClinVar:

ClinVar aggregate classification (germline): Likely benign. Review status: criteria provided, multiple submitters, no conflicts (2 of 4 stars). 3 submissions from 3 submitters: Likely benign (3). Last evaluated 2026-02-01.

Allele frequency attached by ClinVar (database versions not stated): 1000 Genomes Project 30x 0.00172; 1000 Genomes Project 0.00180; ESP Exome Variant Server 0.00223; gnomAD 0.00267 and 0.00272; TOPMed 0.00241; ExAC 0.00264.
gnomAD v4.1: 5,397 of 1,614,082 alleles (0.33%); highest among the groups gnomAD compares: Non-Finnish European, 0.39%; 7 homozygotes.

Submissions (3):

CeGaT Center for Human Genetics Tuebingen
Classification: Likely benign. Last evaluated: 2026-02-01. Review status: criteria provided, single submitter. Criteria: CeGaT Center For Human Genetics Tuebingen Variant Classification Criteria Version 2. Collection method: clinical testing. Allele origin: germline. Affected: yes. Observed: 2 variant alleles.
Comment: DMRT3: BP4

Labcorp Genetics (formerly Invitae), Labcorp
Classification: Likely benign. Last evaluated: 2019-12-31. Review status: criteria provided, single submitter. Criteria: Invitae Variant Classification Sherloc (09022015). Collection method: clinical testing. Allele origin: germline.

Breakthrough Genomics
Classification: Likely benign. Review status: criteria provided, single submitter. Criteria: ACMG Guidelines, 2015. Collection method: not provided. Allele origin: germline. Inheritance: Unknown mechanism. Affected: yes.

NM_021240.4(DMRT3):c.1270G>A (p.Val424Ile)

Gene: DMRT3 (doublesex and mab-3 related transcription factor 3; plus strand). Cytogenetic location: 9p24.3.
Variant type: single nucleotide variant.
Coding change: c.1270G>A on transcript NM_021240.4 (MANE Select); coding-DNA position 1270, G replaced by A.
Protein change: p.Val424Ile; replaces valine 424 with isoleucine.
Molecular consequence: missense variant.
Genome position (GRCh38, 1-based): chr9:990,856, G>A. VCF-style: chr9-990856-G-A. GRCh37 (hg19) VCF-style: chr9-990856-G-A.
Other names: short protein forms V424I.
Identifiers: ClinVar variation 773226 (VCV000773226.29), dbSNP rs142983095, ClinGen allele CA4962203.